The following is an entry in ClinVar:

NM_002968.3(SALL1):c.3648G>A (p.Met1216Ile)

Gene: SALL1 (spalt like transcription factor 1; minus strand). Cytogenetic location: 16q12.1.
Variant type: single nucleotide variant.
Coding change: c.3648G>A on transcript NM_002968.3 (MANE Select); coding-DNA position 3648, G replaced by A.
Protein change: p.Met1216Ile; replaces methionine 1216 with isoleucine.
Molecular consequence: missense variant.
Genome position (GRCh38, 1-based): chr16:51,137,439, C>T on the plus strand (G>A on the coding strand, the complement: SALL1 is on the minus strand). VCF-style: chr16-51137439-C-T. GRCh37 (hg19) VCF-style: chr16-51171350-C-T.
Other names: c.3357G>A, p.Met1119Ile (NM_001127892.2); short protein forms M1119I, M1216I.
Identifiers: ClinVar variation 2840599 (VCV002840599.3), dbSNP rs1231648107, ClinGen allele CA395878256.

ClinVar aggregate classification (germline): Uncertain significance (1 of 4 stars; one submission).

Conditions:
Townes syndrome (TBS). Also called: Townes-Brocks syndrome. Identifiers: Orphanet 857, MedGen C0265246, MeSH C536974, MONDO:0007142.

Allele frequency attached by ClinVar (database versions not stated): gnomAD exomes below 0.00001; TOPMed below 0.00001; gnomAD 0.00001.

Submission:

Labcorp Genetics (formerly Invitae), Labcorp
Classification: Uncertain significance for Townes syndrome. Last evaluated: 2023-03-04. Review status: criteria provided, single submitter. Criteria: Invitae Variant Classification Sherloc (09022015). Collection method: clinical testing. Allele origin: germline.
Comment: In summary, the available evidence is currently insufficient to determine the role of this variant in disease. Therefore, it has been classified as a Variant of Uncertain Significance. An algorithm developed to predict the effect of missense changes on protein structure and function (PolyPhen-2) suggests that this variant is likely to be tolerated. This variant has not been reported in the literature in individuals affected with SALL1-related conditions. This variant is present in population databases (no rsID available, gnomAD 0.1%). This sequence change replaces methionine, which is neutral and non-polar, with isoleucine, which is neutral and non-polar, at codon 1216 of the SALL1 protein (p.Met1216Ile).